The following is an entry in ClinVar:

ClinVar aggregate classification (germline): Uncertain significance (1 of 4 stars; one submission).

Conditions:
Combined oxidative phosphorylation defect type 27. Also called: Combined oxidative phosphorylation deficiency 27. Identifiers: Orphanet 477774, MedGen C5567608, MONDO:0014728, OMIM 616672.

Submission:

Labcorp Genetics (formerly Invitae), Labcorp
Classification: Uncertain significance for Combined oxidative phosphorylation defect type 27. Last evaluated: 2022-05-29. Review status: criteria provided, single submitter. Criteria: Invitae Variant Classification Sherloc (09022015). Collection method: clinical testing. Allele origin: germline.
Comment: This variant results in a copy number gain of the genomic region encompassing exon(s) 8-15 of the CARS2 gene. This region includes the termination codon of the gene. This copy number gain extends beyond the assayed region for this gene and therefore may encompass additional genes. As the precise location of this event is unknown, it may be in tandem or it may be located elsewhere in the genome. This variant has not been reported in the literature in individuals affected with CARS2-related conditions. In summary, the available evidence is currently insufficient to determine the role of this variant in disease. Therefore, it has been classified as a Variant of Uncertain Significance.

NC_000013.10:g.(?_111286872)_(111319840_?)dup

Genes: CARS2 (cysteinyl-tRNA synthetase 2, mitochondrial; minus strand), NAXD (NAD(P)HX dehydratase; plus strand). Cytogenetic location: 13q34.
Variant type: Duplication.
Identifiers: ClinVar variation 2426830 (VCV002426830.3).